The following is an entry in ClinVar:

ClinVar aggregate classification (germline): Likely pathogenic (1 of 4 stars; one submission).

Submission:

GeneDx
Classification: Likely pathogenic. Last evaluated: 2023-03-24. Review status: criteria provided, single submitter. Criteria: GeneDx Variant Classification Process June 2021. Collection method: clinical testing. Allele origin: germline. Affected: yes.
Comment: Nonsense variant predicted to result in protein truncation, as the last 151 amino acids are lost, and other loss-of-function variants have been reported downstream in HGMD; Not observed at significant frequency in large population cohorts (gnomAD); Has not been previously published as pathogenic or benign to our knowledge

NM_005450.6(NOG):c.245C>A (p.Ser82Ter)

Gene: NOG (noggin; plus strand). Cytogenetic location: 17q22.
Variant type: single nucleotide variant.
Coding change: c.245C>A on transcript NM_005450.6 (MANE Select); coding-DNA position 245, C replaced by A.
Protein change: p.Ser82Ter; replaces serine 82 with a stop codon.
Molecular consequence: nonsense.
Genome position (GRCh38, 1-based): chr17:56,594,468, C>A. VCF-style: chr17-56594468-C-A. GRCh37 (hg19) VCF-style: chr17-54671829-C-A.
Other names: short protein forms S82*.
Identifiers: ClinVar variation 2581938 (VCV002581938.1), dbSNP rs1597920017, ClinGen allele CA399965184.